The following is an entry in ClinVar:

ClinVar aggregate classification (germline): Likely benign (1 of 4 stars; one submission).

Conditions:
BRSK2-related disorder. Also called: BRSK2-related condition; BRSK2-Related Disorders.

gnomAD v4.1: 457 of 1,597,222 alleles (0.029%); highest among the groups gnomAD compares: East Asian, 0.036%; no homozygotes.

Submission:

PreventionGenetics, part of Exact Sciences
Classification: Likely benign for BRSK2-related condition. Last evaluated: 2024-12-31. Review status: criteria provided, single submitter. Criteria: ACMG Guidelines, 2015. Collection method: clinical testing. Allele origin: germline.
Comment: This variant is classified as likely benign based on ACMG/AMP sequence variant interpretation guidelines (Richards et al. 2015 PMID: 25741868, with internal and published modifications).

NM_001256627.2(BRSK2):c.1939+263C>T

Gene: BRSK2 (BR serine/threonine kinase 2; plus strand). Cytogenetic location: 11p15.5.
Variant type: single nucleotide variant.
Coding change: c.1939+263C>T on transcript NM_001256627.2 (MANE Select); 263 bases into the intron after coding-DNA position 1939, C replaced by T.
Molecular consequence: intron variant.
Genome position (GRCh38, 1-based): chr11:1,456,950, C>T. VCF-style: chr11-1456950-C-T. GRCh37 (hg19) VCF-style: chr11-1478180-C-T.
Other names: c.2371+263C>T (NM_001440665.1); c.2005+263C>T (NM_001440668.1, NM_001440670.1); c.2305+263C>T (NM_001440666.1); c.1940-5C>T (NM_001256629.2); c.1939+263C>T (NM_003957.4); c.1759+263C>T (NM_001440674.1, NM_001440669.1, NM_001440673.1 and 2 more transcripts); c.1825+263C>T (NM_001440671.1, NM_001440672.1); c.1760-5C>T (NM_001282218.2); and 1 more.
Identifiers: ClinVar variation 4980575 (VCV004980575.1).